The following is an entry in ClinVar:

NM_001130987.2(DYSF):c.1450-15C>T

Gene: DYSF (dysferlin; plus strand). Cytogenetic location: 2p13.2.
Variant type: single nucleotide variant.
Coding change: c.1450-15C>T on transcript NM_001130987.2 (MANE Select); 15 bases into the intron before coding-DNA position 1450, C replaced by T.
Molecular consequence: intron variant.
Genome position (GRCh38, 1-based): chr2:71,535,253, C>T. VCF-style: chr2-71535253-C-T. GRCh37 (hg19) VCF-style: chr2-71762383-C-T.
Other names: c.1447-15C>T (NM_001130979.2, NM_001130981.2, NM_001130980.2); c.1354-15C>T (NM_001130978.2, NM_003494.4, NM_001130977.2 and 1 more transcripts); c.1450-15C>T (NM_001130982.2, NM_001130985.2); c.1357-15C>T (NM_001130983.2, NM_001130455.2, NM_001130984.2 and 1 more transcripts).
Identifiers: ClinVar variation 512262 (VCV000512262.9), dbSNP rs376442287, ClinGen allele CA1705762.

ClinVar aggregate classification (germline): Likely benign. Review status: criteria provided, multiple submitters, no conflicts (2 of 4 stars). 2 submissions from 2 submitters: Likely benign (2). Last evaluated 2025-10-01.

Conditions:
Neuromuscular disease caused by qualitative or quantitative defects of dysferlin. Also called: Dysferlinopathy; Qualitative or quantitative defects of dysferlin. Identifiers: Orphanet 207073, MedGen C2931687, MONDO:0016145.

Allele frequency attached by ClinVar (database versions not stated): gnomAD exomes 0.00004 and 0.00009; ESP Exome Variant Server 0.00008; ExAC 0.00009; gnomAD 0.00018 and 0.00020; TOPMed 0.00026; 1000 Genomes Project 0.00080; 1000 Genomes Project 30x 0.00094.
gnomAD v4.1: 94 of 1,613,884 alleles (0.0058%); highest among the groups gnomAD compares: African/African-American, 0.041%; no homozygotes.

Submissions (2):

Labcorp Genetics (formerly Invitae), Labcorp
Classification: Likely benign for Neuromuscular disease caused by qualitative or quantitative defects of dysferlin. Last evaluated: 2025-10-01. Review status: criteria provided, single submitter. Criteria: Invitae Variant Classification Sherloc (09022015). Collection method: clinical testing. Allele origin: germline.

GeneDx
Classification: Likely benign. Last evaluated: 2017-09-25. Review status: criteria provided, single submitter. Criteria: GeneDx Variant Classification (06012015). Collection method: clinical testing. Allele origin: germline. Affected: yes.
Comment: This variant is considered likely benign or benign based on one or more of the following criteria: it is a conservative change, it occurs at a poorly conserved position in the protein, it is predicted to be benign by multiple in silico algorithms, and/or has population frequency not consistent with disease.